The following is an entry in ClinVar:

ClinVar aggregate classification (germline): Uncertain significance (1 of 4 stars; one submission).

Conditions:
Hearing impairment. Also called: Impaired Hearing. Identifiers: MedGen C1384666, MONDO:0005365, HP:0000365.

Submission:

Department of Otolaryngology – Head & Neck Surgery, Cochlear Implant Center
Classification: Uncertain significance for Hearing impairment. Last evaluated: 2021-04-12. Review status: criteria provided, single submitter. Criteria: ClinGen HL ACMG Specifications v1. Collection method: clinical testing. Allele origin: germline. Affected: yes.
Comment: PM2_Moderate

NM_002473.6(MYH9):c.3013A>G (p.Thr1005Ala)

Gene: MYH9 (myosin heavy chain 9; minus strand). Cytogenetic location: 22q12.3.
Variant type: single nucleotide variant.
Coding change: c.3013A>G on transcript NM_002473.6 (MANE Select); coding-DNA position 3013, A replaced by G.
Protein change: p.Thr1005Ala; replaces threonine 1005 with alanine.
Molecular consequence: missense variant.
Genome position (GRCh38, 1-based): chr22:36,299,006, T>C on the plus strand (A>G on the coding strand, the complement: MYH9 is on the minus strand). VCF-style: chr22-36299006-T-C. GRCh37 (hg19) VCF-style: chr22-36695052-T-C.
Other names: short protein forms T1005A.
Identifiers: ClinVar variation 1065030 (VCV001065030.3), dbSNP rs2146341726, ClinGen allele CA411391164.